The following is an entry in ClinVar:

ClinVar aggregate classification (germline): Conflicting classifications of pathogenicity. Review status: criteria provided, conflicting classifications (1 of 4 stars). 8 submissions from 8 submitters: Uncertain significance (3); Benign (2); Likely benign (3). Last evaluated 2026-01-05.

Conditions:
Hereditary cancer-predisposing syndrome. Also called: Tumor predisposition; Neoplastic Syndromes, Hereditary; Hereditary neoplastic syndrome; Hereditary Cancer Syndrome. Identifiers: Orphanet 140162, MedGen C0027672, MeSH D009386, MONDO:0015356.
Tuberous sclerosis syndrome (TSC). Also called: Tuberous Sclerosis Complex; Tuberous sclerosis. Identifiers: Orphanet 805, MedGen C0041341, MONDO:0001734.
Isolated focal cortical dysplasia type II (FCORD2). Also called: Focal cortical dysplasia type II; CORTICAL DYSPLASIA OF TAYLOR. Identifiers: Orphanet 268994, MedGen C1846385, MONDO:0011818, OMIM 607341, HP:0032051.
Tuberous sclerosis 1 (TSC1). Identifiers: Orphanet 805, MedGen C1854465, MONDO:0008612, OMIM 191100.

Allele frequency attached by ClinVar (database versions not stated): gnomAD 0.00001; TOPMed 0.00001; gnomAD exomes 0.00004.
gnomAD v4.1: 55 of 1,614,062 alleles (0.0034%); highest among the groups gnomAD compares: Non-Finnish European, 0.0042%; no homozygotes.

Submissions (8):

Labcorp Genetics (formerly Invitae), Labcorp
Classification: Benign for Tuberous sclerosis 1. Last evaluated: 2026-01-05. Review status: criteria provided, single submitter. Criteria: Invitae Variant Classification Sherloc (09022015). Collection method: clinical testing. Allele origin: germline.

Women's Health and Genetics/Laboratory Corporation of America, LabCorp
Classification: Likely benign. Last evaluated: 2025-12-31. Review status: criteria provided, single submitter. Criteria: LabCorp Variant Classification Summary - May 2015. Collection method: clinical testing. Allele origin: germline.
Comment: Variant summary: TSC1 c.3408T>A (p.Asp1136Glu) results in a conservative amino acid change in the encoded protein sequence. Algorithms developed to predict the effect of missense changes on protein structure and function are either unavailable or do not agree on the potential impact of this missense change. The variant was absent in 251384 control chromosomes in gnomAD v2.1, but was found in 55/1614062 chromosomes in v4.1, suggesting it is a benign polymorphism. The available data on variant occurrences in the general population are insufficient to allow any conclusion about variant significance. To our knowledge, no occurrence of c.3408T>A in individuals affected with TSC1-related conditions and no experimental evidence demonstrating its impact on protein function have been reported. ClinVar contains an entry for this variant (Variation ID: 184790). Based on the evidence outlined above, the variant was classified as likely benign.

Color Diagnostics, LLC DBA Color Health
Classification: Uncertain significance for Tuberous sclerosis syndrome. Last evaluated: 2025-07-11. Review status: criteria provided, single submitter. Criteria: ACMG Guidelines, 2015. Collection method: clinical testing. Allele origin: germline.
Comment: This missense variant replaces aspartic acid with glutamic acid at codon 1136 of the TSC1 protein. Computational prediction suggests that this variant may not impact protein structure and function. To our knowledge, functional studies have not been reported for this variant. This variant has been reported in an individual affected with nonsyndromic keratoconus in the literature (PMID: 29261847). This variant has not been identified in the general population by the Genome Aggregation Database (gnomAD). The available evidence is insufficient to determine the role of this variant in disease conclusively. Therefore, this variant is classified as a Variant of Uncertain Significance.

Ambry Genetics
Classification: Benign for Hereditary cancer-predisposing syndrome. Last evaluated: 2024-07-01. Review status: criteria provided, single submitter. Criteria: Ambry Variant Classification Scheme 2023. Collection method: clinical testing. Allele origin: germline.

All of Us Research Program, National Institutes of Health
Classification: Uncertain significance for Tuberous sclerosis syndrome. Last evaluated: 2023-10-27. Review status: criteria provided, single submitter. Criteria: ACMG Guidelines, 2015. Collection method: clinical testing. Allele origin: germline. Inheritance: Autosomal dominant inheritance. Observed: 2 variant alleles, 2 heterozygotes.
Comment: This missense variant replaces aspartic acid with glutamic acid at codon 1136 of the TSC1 protein. Computational prediction suggests that this variant may not impact protein structure and function (internally defined REVEL score threshold <= 0.5, PMID: 27666373). To our knowledge, functional studies have not been reported for this variant. This variant has been reported in individuals affected with nonsyndromic keratoconus in the literature (PMID: 29261847). This variant has not been identified in the general population by the Genome Aggregation Database (gnomAD). The available evidence is insufficient to determine the role of this variant in disease conclusively. Therefore, this variant is classified as a Variant of Uncertain Significance.

This study involves interpretation of variants in research participants for the purpose of population health screening. Participant phenotype was not available at the time of variant classification. Additional details can be found in publication PMID: 35346344, PMCID: PMC8962531

Baylor Genetics
Classification: Uncertain significance for Isolated focal cortical dysplasia type II. Last evaluated: 2023-10-10. Review status: criteria provided, single submitter. Criteria: ACMG Guidelines, 2015. Collection method: clinical testing. Allele origin: unknown.

Blueprint Genetics
Classification: Likely benign. Last evaluated: 2023-03-31. Review status: criteria provided, single submitter. Criteria: ACMG Guidelines, 2015. Collection method: clinical testing. Allele origin: germline.

Genome-Nilou Lab
Classification: Likely benign for Tuberous sclerosis 1. Last evaluated: 2021-11-07. Review status: criteria provided, single submitter. Criteria: ACMG Guidelines, 2015. Collection method: clinical testing. Allele origin: germline. Affected: no.

Literature cited by the submitters: PubMed 29261847 (cited by 3 submitters).

NM_000368.5(TSC1):c.3408T>A (p.Asp1136Glu)

Gene: TSC1 (TSC complex subunit 1; minus strand). Cytogenetic location: 9q34.13.
Variant type: single nucleotide variant.
Coding change: c.3408T>A on transcript NM_000368.5 (MANE Select); coding-DNA position 3408, T replaced by A.
Protein change: p.Asp1136Glu; replaces aspartic acid 1136 with glutamic acid.
Molecular consequence: missense variant.
Genome position (GRCh38, 1-based): chr9:132,896,322, A>T on the plus strand (T>A on the coding strand, the complement: TSC1 is on the minus strand). VCF-style: chr9-132896322-A-T. GRCh37 (hg19) VCF-style: chr9-135771709-A-T.
Other names: c.3405T>A, p.Asp1135Glu (NM_001162426.2); c.3255T>A, p.Asp1085Glu (NM_001162427.2); c.3045T>A, p.Asp1015Glu (NM_001362177.2); short protein forms D1136E, D1015E, D1085E, D1135E.
Identifiers: ClinVar variation 184790 (VCV000184790.23), dbSNP rs751398082, ClinGen allele CA007356.
Genomic context (GRCh38, chr9:132,896,322, plus strand): 5'-GTAGTCCATGATATGTAGCTGTCCAACACTGTCCGGGGTCGGGGGAGACGGGTGAGGGCC[A>T]TCTAGGTTCAGGGGAATCTTGGCTTCCACACCCAAGTCTTTGCCCAGTTCTGTCTTTAGG-3'
Protein context (NP_000359.1, residues 1126-1146): GVEAKIPLNL[Asp1136Glu]GPHPSPPTPD